The following is an entry in ClinVar:

NM_001267550.2(TTN):c.97062del (p.Val32355fs)

Genes: TTN (titin; minus strand), TTN-AS1 (TTN antisense RNA 1; plus strand). Cytogenetic location: 2q31.2.
Variant type: Deletion.
Coding change: c.97062del on transcript NM_001267550.2 (MANE Select); coding-DNA position 97062, one base deleted (A; older notation c.97062delA).
Protein change: p.Val32355fs; shifts the reading frame from valine 32355.
Molecular consequence: frameshift variant.
Genome position (GRCh38, 1-based): chr2:178,542,792, T deleted on the plus strand (A on the coding strand, the reverse complement: TTN is on the minus strand). VCF-style (leftmost placement, unchanged base first): chr2-178542791-CT-C. GRCh37 (hg19) VCF-style: chr2-179407518-CT-C.
Other names: c.92139del, p.Val30714fs (NM_001256850.1); c.69867del, p.Val23290fs (NM_003319.4); c.89358del, p.Val29787fs (NM_133378.4); c.70242del, p.Val23415fs (NM_133432.3); c.70443del, p.Val23482fs (NM_133437.4); short protein forms V23290fs, V23415fs, V23482fs, V29787fs, V30714fs, V32355fs.
Identifiers: ClinVar variation 3763446 (VCV003763446.3).

ClinVar aggregate classification (germline): Likely pathogenic. Review status: criteria provided, multiple submitters, no conflicts (2 of 4 stars). 2 submissions from 2 submitters: Likely pathogenic (2). Last evaluated 2024-12-08.

Conditions:
Dilated cardiomyopathy 1G (CMD1G). Identifiers: Orphanet 154, MedGen C1858763, MONDO:0011400, OMIM 604145.
Autosomal recessive limb-girdle muscular dystrophy type 2J (LGMDR10). Also called: Limb-girdle muscular dystrophy, type 2J; MUSCULAR DYSTROPHY, LIMB-GIRDLE, AUTOSOMAL RECESSIVE 10. Identifiers: Orphanet 140922, MedGen C1837342, MONDO:0012127, OMIM 608807.
TTN-related disorder. Also called: TTN-related condition; TTN-related disease; TTN-related disorders.

Submissions (2):

Labcorp Genetics (formerly Invitae), Labcorp
Classification: Likely pathogenic for Dilated cardiomyopathy 1G; Autosomal recessive limb-girdle muscular dystrophy type 2J. Last evaluated: 2024-12-08. Review status: criteria provided, single submitter. Criteria: Invitae Variant Classification Sherloc (09022015). Collection method: clinical testing. Allele origin: germline.
Comment: This sequence change creates a premature translational stop signal (p.Val32355Leufs*7) in the TTN gene. While this is not anticipated to result in nonsense mediated decay, it is expected to create a truncated TTN protein. This variant is not present in population databases (gnomAD no frequency). This premature translational stop signal has been observed in individual(s) with dilated cardiomyopathy (PMID: 31983221, 37652022). This variant is located in the A band of TTN (PMID: 25589632). Truncating variants in this region are significantly overrepresented in patients affected with dilated cardiomyopathy (PMID: 25589632). Truncating variants in this region have also been reported in individuals affected with autosomal recessive centronuclear myopathy (PMID: 23975875). In summary, the currently available evidence indicates that the variant is pathogenic, but additional data are needed to prove that conclusively. Therefore, this variant has been classified as Likely Pathogenic.

Blueprint Genetics
Classification: Likely pathogenic for TTN-related disorders. Last evaluated: 2023-10-05. Review status: criteria provided, single submitter. Criteria: ACMG Guidelines, 2015. Collection method: clinical testing. Allele origin: germline. Affected: yes. Observed: 2 variant alleles.

Literature cited by the submitters: PubMed 31983221 (cited by Labcorp Genetics (formerly Invitae), Labcorp); PubMed 37652022 (cited by Labcorp Genetics (formerly Invitae), Labcorp); PubMed 25589632 (cited by Labcorp Genetics (formerly Invitae), Labcorp); PubMed 23975875 (cited by Labcorp Genetics (formerly Invitae), Labcorp).